The following is an entry in ClinVar:

ClinVar aggregate classification (germline): Benign/Likely benign. Review status: criteria provided, multiple submitters, no conflicts (2 of 4 stars). 4 submissions from 4 submitters: Benign (1); Likely benign (3). Last evaluated 2025-08-28.

Conditions:
Arrhythmogenic cardiomyopathy with wooly hair and keratoderma. Also called: Carvajal syndrome; Dilated cardiomyopathy with woolly hair and keratoderma; Arrhythmogenic cardiomyopathy with woolly hair and keratoderma; PALMOPLANTAR KERATODERMA WITH LEFT VENTRICULAR CARDIOMYOPATHY AND WOOLLY HAIR. Identifiers: Orphanet 65282, MedGen C1854063, MONDO:0011581, OMIM 605676.
Arrhythmogenic right ventricular dysplasia 8 (ARVD8). Also called: ARRHYTHMOGENIC RIGHT VENTRICULAR DYSPLASIA, FAMILIAL, 8; ARRHYTHMOGENIC RIGHT VENTRICULAR CARDIOMYOPATHY 8; Arrhythmogenic Right Ventricular Dysplasia/Cardiomyopathy 8. Identifiers: MedGen C1843896, MONDO:0011831, OMIM 607450.
Cardiovascular phenotype. Identifiers: MedGen CN230736.

Allele frequency attached by ClinVar (database versions not stated): TOPMed below 0.00001; ExAC 0.00001; gnomAD exomes 0.00001.
gnomAD v4.1: 12 of 1,614,034 alleles (0.00074%); highest among the groups gnomAD compares: East Asian, 0.0022%; no homozygotes.

Submissions (4):

Ambry Genetics
Classification: Likely benign for Cardiovascular phenotype. Last evaluated: 2025-08-28. Review status: criteria provided, single submitter. Criteria: Ambry Variant Classification Scheme 2023. Collection method: clinical testing. Allele origin: germline.

Labcorp Genetics (formerly Invitae), Labcorp
Classification: Benign for Arrhythmogenic cardiomyopathy with wooly hair and keratoderma; Arrhythmogenic right ventricular dysplasia 8. Last evaluated: 2024-11-06. Review status: criteria provided, single submitter. Criteria: Invitae Variant Classification Sherloc (09022015). Collection method: clinical testing. Allele origin: germline.

All of Us Research Program, National Institutes of Health
Classification: Likely benign for Arrhythmogenic cardiomyopathy with wooly hair and keratoderma. Last evaluated: 2023-12-13. Review status: criteria provided, single submitter. Criteria: ACMG Guidelines, 2015. Collection method: clinical testing. Allele origin: germline. Inheritance: Autosomal dominant inheritance. Observed: 1 variant allele, 1 heterozygote.
Comment: This study involves interpretation of variants in research participants for the purpose of population health screening. Participant phenotype was not available at the time of variant classification. Additional details can be found in publication PMID: 35346344, PMCID: PMC8962531

GeneDx
Classification: Likely benign. Last evaluated: 2016-03-28. Review status: criteria provided, single submitter. Criteria: GeneDx Variant Classification (06012015). Collection method: clinical testing. Allele origin: germline. Affected: yes.
Comment: This variant is considered likely benign or benign based on one or more of the following criteria: it is a conservative change, it occurs at a poorly conserved position in the protein, it is predicted to be benign by multiple in silico algorithms, and/or has population frequency not consistent with disease.

NM_004415.4(DSP):c.867C>T (p.Cys289=)

Gene: DSP (desmoplakin; plus strand). Cytogenetic location: 6p24.3.
Variant type: single nucleotide variant.
Coding change: c.867C>T on transcript NM_004415.4 (MANE Select); coding-DNA position 867, C replaced by T.
Protein change: p.Cys289=; no amino-acid change (cysteine 289 retained).
Molecular consequence: synonymous variant.
Genome position (GRCh38, 1-based): chr6:7,565,448, C>T. VCF-style: chr6-7565448-C-T. GRCh37 (hg19) VCF-style: chr6-7565681-C-T.
Other names: c.867C>T, p.Cys289= (NM_001008844.3, NM_001319034.2); c.867C>T (LRG_423t1).
Identifiers: ClinVar variation 385121 (VCV000385121.8), dbSNP rs397516973, ClinGen allele CA052889.